The following is an entry in ClinVar:

ClinVar aggregate classification (germline): Benign/Likely benign. Review status: criteria provided, multiple submitters, no conflicts (2 of 4 stars). 6 submissions from 6 submitters: Benign (1); Likely benign (4). 1 of the submissions does not count toward it. Last evaluated 2026-07-01.

Conditions:
Hereditary cancer-predisposing syndrome. Also called: Hereditary neoplastic syndrome; Hereditary Cancer Syndrome; Neoplastic Syndromes, Hereditary; Tumor predisposition. Identifiers: Orphanet 140162, MedGen C0027672, MeSH D009386, MONDO:0015356.
Cardiovascular phenotype. Identifiers: MedGen CN230736.
LZTR1-related disorder. Also called: LZTR1-related disorders; LZTR1-related condition.

Allele frequency attached by ClinVar (database versions not stated): ExAC 0.00002; TOPMed 0.00002; gnomAD 0.00003 and 0.00004; gnomAD exomes 0.00003 and 0.00004; ESP Exome Variant Server 0.00008.
gnomAD v4.1: 47 of 1,613,394 alleles (0.0029%); highest among the groups gnomAD compares: Middle Eastern, 0.033%; no homozygotes.

Submissions (6):

CeGaT Center for Human Genetics Tuebingen
Classification: Likely benign. Last evaluated: 2026-07-01. Review status: criteria provided, single submitter. Criteria: CeGaT Center For Human Genetics Tuebingen Variant Classification Criteria Version 2. Collection method: clinical testing. Allele origin: germline. Affected: yes. Observed: 2 variant alleles.
Comment: LZTR1: BP4, BP7

Labcorp Genetics (formerly Invitae), Labcorp
Classification: Likely benign. Last evaluated: 2026-02-03. Review status: criteria provided, single submitter. Criteria: Invitae Variant Classification Sherloc (09022015). Collection method: clinical testing. Allele origin: germline.

Blueprint Genetics
Classification: Likely benign. Last evaluated: 2023-09-26. Review status: criteria provided, single submitter. Criteria: ACMG Guidelines, 2015. Collection method: clinical testing. Allele origin: germline.

Women's Health and Genetics/Laboratory Corporation of America, LabCorp
Classification: Benign. Last evaluated: 2022-02-05. Review status: criteria provided, single submitter. Criteria: LabCorp Variant Classification Summary - May 2015. Collection method: clinical testing. Allele origin: germline.

Ambry Genetics
Classification: Likely benign for Cardiovascular phenotype; Hereditary cancer-predisposing syndrome. Last evaluated: 2020-12-11. Review status: criteria provided, single submitter. Criteria: Ambry Variant Classification Scheme 2023. Collection method: clinical testing. Allele origin: germline.

PreventionGenetics, part of Exact Sciences
Classification: Likely benign for LZTR1-related condition. Last evaluated: 2021-12-31. Review status: no assertion criteria provided. Collection method: clinical testing. Allele origin: germline. Not counted in ClinVar's aggregate classification.
Comment: This variant is classified as likely benign based on ACMG/AMP sequence variant interpretation guidelines (Richards et al. 2015 PMID: 25741868, with internal and published modifications).

NM_006767.4(LZTR1):c.2274G>A (p.Ala758=)

Gene: LZTR1 (leucine zipper like post translational regulator 1; plus strand). Cytogenetic location: 22q11.21.
Variant type: single nucleotide variant.
Coding change: c.2274G>A on transcript NM_006767.4 (MANE Select); coding-DNA position 2274, G replaced by A.
Protein change: p.Ala758=; no amino-acid change (alanine 758 retained).
Molecular consequence: synonymous variant.
Genome position (GRCh38, 1-based): chr22:20,996,750, G>A. VCF-style: chr22-20996750-G-A. GRCh37 (hg19) VCF-style: chr22-21351039-G-A.
Identifiers: ClinVar variation 757664 (VCV000757664.38), dbSNP rs144870586, ClinGen allele CA10119329.